The following is an entry in ClinVar:

NM_001267550.2(TTN):c.80032G>C (p.Val26678Leu)

Genes: TTN (titin; minus strand), TTN-AS1 (TTN antisense RNA 1; plus strand). Cytogenetic location: 2q31.2.
Variant type: single nucleotide variant.
Coding change: c.80032G>C on transcript NM_001267550.2 (MANE Select); coding-DNA position 80032, G replaced by C.
Protein change: p.Val26678Leu; replaces valine 26678 with leucine.
Molecular consequence: missense variant.
Genome position (GRCh38, 1-based): chr2:178,566,100, C>G on the plus strand (G>C on the coding strand, the complement: TTN is on the minus strand). VCF-style: chr2-178566100-C-G. GRCh37 (hg19) VCF-style: chr2-179430827-C-G.
Other names: c.75109G>C, p.Val25037Leu (NM_001256850.1); c.52837G>C, p.Val17613Leu (NM_003319.4); c.72328G>C, p.Val24110Leu (NM_133378.4); c.53212G>C, p.Val17738Leu (NM_133432.3); c.53413G>C, p.Val17805Leu (NM_133437.4); short protein forms V26678L, V17805L, V25037L, V17613L, V17738L, V24110L.
Identifiers: ClinVar variation 1746578 (VCV001746578.2), dbSNP rs1239747236, ClinGen allele CA349591843.

ClinVar aggregate classification (germline): Uncertain significance (1 of 4 stars; one submission).

Conditions:
Cardiovascular phenotype. Identifiers: MedGen CN230736.

Allele frequency attached by ClinVar (database versions not stated): gnomAD exomes below 0.00001; gnomAD 0.00001; TOPMed 0.00001.
gnomAD v4.1: 3 of 1,613,540 alleles (0.00019%); highest among the groups gnomAD compares: African/African-American, 0.0013%; no homozygotes.

Submission:

Ambry Genetics
Classification: Uncertain significance for Cardiovascular phenotype. Last evaluated: 2019-10-24. Review status: criteria provided, single submitter. Criteria: Ambry Variant Classification Scheme 2023. Collection method: clinical testing. Allele origin: germline.
Comment: The p.V17613L variant (also known as c.52837G>C), located in coding exon 153 of the TTN gene, results from a G to C substitution at nucleotide position 52837. The valine at codon 17613 is replaced by leucine, an amino acid with highly similar properties. This amino acid position is highly conserved in available vertebrate species. In addition, this alteration is predicted to be tolerated by in silico analysis. Since supporting evidence is limited at this time, the clinical significance of this alteration remains unclear.